The following is an entry in ClinVar:

ClinVar aggregate classification (germline): Conflicting classifications of pathogenicity. Review status: criteria provided, conflicting classifications (1 of 4 stars). 2 submissions from 2 submitters: Uncertain significance (1); Likely benign (1). Last evaluated 2025-12-10.

Conditions:
Hypertrophic cardiomyopathy. Also called: HYPERTROPHIC MYOCARDIOPATHY. Identifiers: Orphanet 217569, MedGen C0007194, MeSH D002312, MONDO:0005045, HP:0001639.

Allele frequency attached by ClinVar (database versions not stated): TOPMed 0.00005; gnomAD 0.00006.
gnomAD v4.1: 28 of 1,613,788 alleles (0.0017%); highest among the groups gnomAD compares: African/African-American, 0.011%; no homozygotes.

Submissions (2):

Labcorp Genetics (formerly Invitae), Labcorp
Classification: Uncertain significance for Hypertrophic cardiomyopathy. Last evaluated: 2025-12-10. Review status: criteria provided, single submitter. Criteria: Invitae Variant Classification Sherloc (09022015). Collection method: clinical testing. Allele origin: germline.
Comment: This sequence change replaces valine, which is neutral and non-polar, with isoleucine, which is neutral and non-polar, at codon 1334 of the MYOM1 protein (p.Val1334Ile). This variant is present in population databases (rs763659581, gnomAD 0.01%). This variant has not been reported in the literature in individuals affected with MYOM1-related conditions. ClinVar contains an entry for this variant (Variation ID: 656493). Invitae Evidence Modeling of protein sequence and biophysical properties (such as structural, functional, and spatial information, amino acid conservation, physicochemical variation, residue mobility, and thermodynamic stability) indicates that this missense variant is not expected to disrupt MYOM1 protein function with a negative predictive value of 80%. In summary, the available evidence is currently insufficient to determine the role of this variant in disease. Therefore, it has been classified as a Variant of Uncertain Significance.

Ambry Genetics
Classification: Likely benign. Last evaluated: 2025-09-11. Review status: criteria provided, single submitter. Criteria: Ambry Variant Classification Scheme 2023. Collection method: clinical testing. Allele origin: germline.

NM_003803.4(MYOM1):c.4000G>A (p.Val1334Ile)

Gene: MYOM1 (myomesin 1; minus strand). Cytogenetic location: 18p11.31.
Variant type: single nucleotide variant.
Coding change: c.4000G>A on transcript NM_003803.4 (MANE Select); coding-DNA position 4000, G replaced by A.
Protein change: p.Val1334Ile; replaces valine 1334 with isoleucine.
Molecular consequence: missense variant.
Genome position (GRCh38, 1-based): chr18:3,090,667, C>T on the plus strand (G>A on the coding strand, the complement: MYOM1 is on the minus strand). VCF-style: chr18-3090667-C-T. GRCh37 (hg19) VCF-style: chr18-3090665-C-T.
Other names: c.3712G>A, p.Val1238Ile (NM_019856.2); short protein forms V1238I, V1334I.
Identifiers: ClinVar variation 656493 (VCV000656493.11), dbSNP rs763659581, ClinGen allele CA8874107.